The following is an entry in ClinVar:

ClinVar aggregate classification (germline): Conflicting classifications of pathogenicity. Review status: criteria provided, conflicting classifications (1 of 4 stars). 2 submissions from 2 submitters: Uncertain significance (1); Likely benign (1). Last evaluated 2024-11-04.

Allele frequency attached by ClinVar (database versions not stated): TOPMed below 0.00001.

Submissions (2):

Labcorp Genetics (formerly Invitae), Labcorp
Classification: Likely benign. Last evaluated: 2024-11-04. Review status: criteria provided, single submitter. Criteria: Invitae Variant Classification Sherloc (09022015). Collection method: clinical testing. Allele origin: germline.

GeneDx
Classification: Uncertain significance. Last evaluated: 2023-11-08. Review status: criteria provided, single submitter. Criteria: GeneDx Variant Classification Process June 2021. Collection method: clinical testing. Allele origin: germline. Affected: yes.
Comment: Not observed at significant frequency in large population cohorts (gnomAD); In silico analysis supports that this missense variant does not alter protein structure/function; Has not been previously published as pathogenic or benign to our knowledge

NM_001378418.1(TCF20):c.3165C>A (p.Asn1055Lys)

Gene: TCF20 (transcription factor 20; minus strand). Cytogenetic location: 22q13.2.
Variant type: single nucleotide variant.
Coding change: c.3165C>A on transcript NM_001378418.1 (MANE Select); coding-DNA position 3165, C replaced by A.
Protein change: p.Asn1055Lys; replaces asparagine 1055 with lysine.
Molecular consequence: missense variant.
Genome position (GRCh38, 1-based): chr22:42,212,141, G>T on the plus strand (C>A on the coding strand, the complement: TCF20 is on the minus strand). VCF-style: chr22-42212141-G-T. GRCh37 (hg19) VCF-style: chr22-42608147-G-T.
Other names: c.3165C>A, p.Asn1055Lys (NM_005650.4, NM_181492.3); c.3165C>A (NM_005650.1); short protein forms N1055K.
Identifiers: ClinVar variation 2877488 (VCV002877488.4), dbSNP rs1921012081, ClinGen allele CA411787090.